The following is an entry in ClinVar:

NM_177438.3(DICER1):c.5351G>A (p.Gly1784Glu)

Gene: DICER1 (dicer 1, ribonuclease III; minus strand). Cytogenetic location: 14q32.13.
Variant type: single nucleotide variant.
Coding change: c.5351G>A on transcript NM_177438.3 (MANE Select); coding-DNA position 5351, G replaced by A.
Protein change: p.Gly1784Glu; replaces glycine 1784 with glutamic acid.
Molecular consequence: missense variant. On other transcripts: non-coding transcript variant (6).
Genome position (GRCh38, 1-based): chr14:95,093,901, C>T on the plus strand (G>A on the coding strand, the complement: DICER1 is on the minus strand). VCF-style: chr14-95093901-C-T. GRCh37 (hg19) VCF-style: chr14-95560238-C-T.
Other names: c.5351G>A, p.Gly1784Glu (NM_001195573.1, NM_001271282.3, NM_001291628.2 and 9 more transcripts); c.5069G>A, p.Gly1690Glu (NM_001395686.1); c.4946G>A, p.Gly1649Glu (NM_001395687.1, NM_001395688.1, NM_001395689.1 and 1 more transcripts); c.4784G>A, p.Gly1595Glu (NM_001395691.1); c.3668G>A, p.Gly1223Glu (NM_001395697.1); short protein forms G1649E, G1690E, G1223E, G1595E, G1784E.
Identifiers: ClinVar variation 2833386 (VCV002833386.4), dbSNP rs2139811085, ClinGen allele CA390864876.

ClinVar aggregate classification (germline): Uncertain significance. Review status: criteria provided, multiple submitters, no conflicts (2 of 4 stars). 2 submissions from 2 submitters: Uncertain significance (2). Last evaluated 2025-02-12.

Conditions:
DICER1-related tumor predisposition. Also called: DICER1-related pleuropulmonary blastoma cancer predisposition syndrome; DICER1 syndrome. Identifiers: Orphanet 284343, MedGen C3839822, MONDO:0100216.
Hereditary cancer-predisposing syndrome. Also called: Neoplastic Syndromes, Hereditary; Tumor predisposition; Hereditary Cancer Syndrome; Hereditary neoplastic syndrome. Identifiers: Orphanet 140162, MedGen C0027672, MeSH D009386, MONDO:0015356.

Submissions (2):

Ambry Genetics
Classification: Uncertain significance for Hereditary cancer-predisposing syndrome. Last evaluated: 2025-02-12. Review status: criteria provided, single submitter. Criteria: Ambry Variant Classification Scheme 2023. Collection method: clinical testing. Allele origin: germline.
Comment: The p.G1784E variant (also known as c.5351G>A), located in coding exon 23 of the DICER1 gene, results from a G to A substitution at nucleotide position 5351. The glycine at codon 1784 is replaced by glutamic acid, an amino acid with similar properties. This amino acid position is conserved. In addition, this alteration is predicted to be deleterious by in silico analysis. Based on the available evidence, the clinical significance of this variant remains unclear.

Labcorp Genetics (formerly Invitae), Labcorp
Classification: Uncertain significance for DICER1-related tumor predisposition. Last evaluated: 2023-02-03. Review status: criteria provided, single submitter. Criteria: Invitae Variant Classification Sherloc (09022015). Collection method: clinical testing. Allele origin: germline.
Comment: This variant has not been reported in the literature in individuals affected with DICER1-related conditions. This variant is not present in population databases (gnomAD no frequency). This sequence change replaces glycine, which is neutral and non-polar, with glutamic acid, which is acidic and polar, at codon 1784 of the DICER1 protein (p.Gly1784Glu). Algorithms developed to predict the effect of missense changes on protein structure and function are either unavailable or do not agree on the potential impact of this missense change (SIFT: "Deleterious"; PolyPhen-2: "Probably Damaging"; Align-GVGD: "Class C0"). In summary, the available evidence is currently insufficient to determine the role of this variant in disease. Therefore, it has been classified as a Variant of Uncertain Significance.